The following is an entry in ClinVar:

ClinVar aggregate classification (germline): Pathogenic (1 of 4 stars; one submission).

Submission:

Athena Diagnostics
Classification: Pathogenic. Last evaluated: 2022-03-30. Review status: criteria provided, single submitter. Criteria: Athena Diagnostics Criteria. Collection method: clinical testing. Allele origin: unknown.
Comment: This variant is expected to result in the loss of a functional protein. This variant has been identified in at least one individual tested at Athena Diagnostics with clinical features associated with this gene. This variant has not been reported in large, multi-ethnic general populations.

NM_000451.4(SHOX):c.435del (p.Phe145fs)

Genes: SHOX (SHOX homeobox; plus strand), LOC107652445 (meiotic recombination hotspot SHOX; plus strand). Cytogenetic location: Xp22.33.
Variant type: Deletion.
Coding change: c.435del on transcript NM_000451.4 (MANE Select); coding-DNA position 435, one base deleted (C; older notation c.435delC).
Protein change: p.Phe145fs; shifts the reading frame from phenylalanine 145.
Molecular consequence: frameshift variant.
Genome position (GRCh38, 1-based): chrX:634,775, C deleted. VCF-style (leftmost placement, unchanged base first): chrX-634774-TC-T. GRCh37 (hg19) VCF-style: chrX-595509-TC-T.
Other names: c.435del, p.Phe145fs (NM_006883.2); short protein forms F145fs.
Identifiers: ClinVar variation 1807414 (VCV001807414.1), dbSNP rs2522102153, ClinGen allele CA2580615350.